The following is an entry in ClinVar:

NM_001080453.3(INTS1):c.6223C>T (p.Arg2075Trp)

Gene: INTS1 (integrator complex subunit 1; minus strand). Cytogenetic location: 7p22.3.
Variant type: single nucleotide variant.
Coding change: c.6223C>T on transcript NM_001080453.3 (MANE Select); coding-DNA position 6223, C replaced by T.
Protein change: p.Arg2075Trp; replaces arginine 2075 with tryptophan.
Molecular consequence: missense variant.
Genome position (GRCh38, 1-based): chr7:1,471,603, G>A on the plus strand (C>T on the coding strand, the complement: INTS1 is on the minus strand). VCF-style: chr7-1471603-G-A. GRCh37 (hg19) VCF-style: chr7-1511239-G-A.
Other names: c.2740C>T, p.Arg914Trp (NM_015674.1); short protein forms R914W, R2075W.
Identifiers: ClinVar variation 3110061 (VCV003110061.3), dbSNP rs201387183, ClinGen allele CA4118046.
Genomic context (GRCh38, chr7:1,471,603, plus strand): 5'-AGCTCTCCCTCAGCCCCATCCAGCTCACCGAGAAGAAGCTCAGGATCTCGGGTCTCCGCC[G>A]GGACATCTCGTCTATGTCACTCAGAACCTCCAGCAGATCTGACACAGAGAGAGGGCCAGA-3'
Protein context (NP_001073922.2, residues 2065-2085): EVLSDIDEMS[Arg2075Trp]RRPEILSFFS

ClinVar aggregate classification (germline): Uncertain significance. Review status: criteria provided, multiple submitters, no conflicts (2 of 4 stars). 2 submissions from 2 submitters: Uncertain significance (2). Last evaluated 2026-03-23.

Conditions:
Inborn genetic diseases. Identifiers: MedGen C0950123, MeSH D030342.

Allele frequency attached by ClinVar (database versions not stated): TOPMed 0.00007; gnomAD exomes 0.00012; gnomAD 0.00008; ExAC 0.00013; ESP Exome Variant Server 0.00016.

Submissions (2):

GeneDx
Classification: Uncertain significance. Last evaluated: 2026-03-23. Review status: criteria provided, single submitter. Criteria: GeneDx Variant Classification Process June 2021. Collection method: clinical testing. Allele origin: germline.
Comment: In silico analysis supports that this missense variant has a deleterious effect on protein structure/function; Has not been previously published as pathogenic or benign to our knowledge

Ambry Genetics
Classification: Uncertain significance for Inborn genetic diseases. Last evaluated: 2024-07-30. Review status: criteria provided, single submitter. Criteria: Ambry Variant Classification Scheme 2023. Collection method: clinical testing. Allele origin: germline.